The following is an entry in ClinVar:

ClinVar aggregate classification (germline): Uncertain significance (1 of 4 stars; one submission).

Conditions:
Neurodevelopmental disorder with progressive spasticity and brain white matter abnormalities. Also called: CEREBRAL PALSY, SPASTIC QUADRIPLEGIC, 1. Identifiers: Orphanet 210141, Orphanet 641353, MedGen C5436628, MONDO:0033613, OMIM 619026.

Allele frequency attached by ClinVar (database versions not stated): ExAC 0.00002; gnomAD 0.00005; TOPMed 0.00011.
gnomAD v4.1: 36 of 1,613,970 alleles (0.0022%); highest among the groups gnomAD compares: African/African-American, 0.015%; no homozygotes.

Submission:

Labcorp Genetics (formerly Invitae), Labcorp
Classification: Uncertain significance for Neurodevelopmental disorder with progressive spasticity and brain white matter abnormalities. Last evaluated: 2025-05-18. Review status: criteria provided, single submitter. Criteria: Invitae Variant Classification Sherloc (09022015). Collection method: clinical testing. Allele origin: germline.
Comment: This sequence change replaces arginine, which is basic and polar, with tryptophan, which is neutral and slightly polar, at codon 532 of the GAD1 protein (p.Arg532Trp). This variant is present in population databases (rs776783455, gnomAD 0.02%). This variant has not been reported in the literature in individuals affected with GAD1-related conditions. ClinVar contains an entry for this variant (Variation ID: 2196386). An algorithm developed to predict the effect of missense changes on protein structure and function (PolyPhen-2) suggests that this variant is likely to be tolerated. In summary, the available evidence is currently insufficient to determine the role of this variant in disease. Therefore, it has been classified as a Variant of Uncertain Significance.

NM_000817.3(GAD1):c.1594C>T (p.Arg532Trp)

Gene: GAD1 (glutamate decarboxylase 1; plus strand). Cytogenetic location: 2q31.1.
Variant type: single nucleotide variant.
Coding change: c.1594C>T on transcript NM_000817.3 (MANE Select); coding-DNA position 1594, C replaced by T.
Protein change: p.Arg532Trp; replaces arginine 532 with tryptophan.
Molecular consequence: missense variant.
Genome position (GRCh38, 1-based): chr2:170,858,876, C>T. VCF-style: chr2-170858876-C-T. GRCh37 (hg19) VCF-style: chr2-171715386-C-T.
Other names: short protein forms R532W.
Identifiers: ClinVar variation 2196386 (VCV002196386.4), dbSNP rs776783455, ClinGen allele CA1962997.
Genomic context (GRCh38, chr2:170,858,876, plus strand): 5'-AACGTCTGTTTTTGGTATATTCCACAAAGCCTCAGGGGTGTGCCAGACAGCCCTCAACGA[C>T]GGGAAAAGCTACACAAGGTATGGACTTGCTTTTTGTCTCATCTAATCCTCTGCAATTTCT-3'
Protein context (NP_000808.2, residues 522-542): LRGVPDSPQR[Arg532Trp]EKLHKVAPKI